The following is an entry in ClinVar:

NM_001040108.2(MLH3):c.2487G>T (p.Lys829Asn)

Gene: MLH3 (mutL homolog 3; minus strand). Cytogenetic location: 14q24.3.
Variant type: single nucleotide variant.
Coding change: c.2487G>T on transcript NM_001040108.2 (MANE Select); coding-DNA position 2487, G replaced by T.
Protein change: p.Lys829Asn; replaces lysine 829 with asparagine.
Molecular consequence: missense variant.
Genome position (GRCh38, 1-based): chr14:75,047,169, C>A on the plus strand (G>T on the coding strand, the complement: MLH3 is on the minus strand). VCF-style: chr14-75047169-C-A. GRCh37 (hg19) VCF-style: chr14-75513872-C-A.
Other names: c.2487G>T, p.Lys829Asn (NM_014381.3); short protein forms K829N.
Identifiers: ClinVar variation 1792002 (VCV001792002.8), dbSNP rs2139561709, ClinGen allele CA390440218.

ClinVar aggregate classification (germline): Uncertain significance. Review status: criteria provided, multiple submitters, no conflicts (2 of 4 stars). 2 submissions from 2 submitters: Uncertain significance (2). Last evaluated 2024-07-18.

Conditions:
Colorectal cancer, hereditary nonpolyposis, type 7. Identifiers: Orphanet 144, MedGen C1858380, MONDO:0013725, OMIM 614385.

Submissions (2):

Ambry Genetics
Classification: Uncertain significance. Last evaluated: 2024-07-18. Review status: criteria provided, single submitter. Criteria: Ambry Variant Classification Scheme 2023. Collection method: clinical testing. Allele origin: germline.
Comment: The p.K829N variant (also known as c.2487G>T), located in coding exon 1 of the MLH3 gene, results from a G to T substitution at nucleotide position 2487. The lysine at codon 829 is replaced by asparagine, an amino acid with similar properties. This amino acid position is conserved. In addition, this alteration is predicted to be tolerated by in silico analysis. Since supporting evidence is limited at this time, the clinical significance of this alteration remains unclear.

Labcorp Genetics (formerly Invitae), Labcorp
Classification: Uncertain significance for Colorectal cancer, hereditary nonpolyposis, type 7. Last evaluated: 2022-08-05. Review status: criteria provided, single submitter. Criteria: Invitae Variant Classification Sherloc (09022015). Collection method: clinical testing. Allele origin: germline.
Comment: This sequence change replaces lysine, which is basic and polar, with asparagine, which is neutral and polar, at codon 829 of the MLH3 protein (p.Lys829Asn). This variant is not present in population databases (gnomAD no frequency). This variant has not been reported in the literature in individuals affected with MLH3-related conditions. Algorithms developed to predict the effect of missense changes on protein structure and function output the following: SIFT: "Tolerated"; PolyPhen-2: "Benign"; Align-GVGD: "Class C0". The asparagine amino acid residue is found in multiple mammalian species, which suggests that this missense change does not adversely affect protein function. In summary, the available evidence is currently insufficient to determine the role of this variant in disease. Therefore, it has been classified as a Variant of Uncertain Significance.